The following is an entry in ClinVar:

NM_022042.4(SLC26A1):c.173G>A (p.Arg58His)

Genes: IDUA (alpha-L-iduronidase; plus strand), SLC26A1 (solute carrier family 26 member 1; minus strand). Cytogenetic location: 4p16.3.
Variant type: single nucleotide variant.
Coding change: c.173G>A on transcript NM_022042.4 (MANE Select); coding-DNA position 173, G replaced by A.
Protein change: p.Arg58His; replaces arginine 58 with histidine.
Molecular consequence: missense variant. On other transcripts: intron variant (1).
Genome position (GRCh38, 1-based): chr4:991,531, C>T on the plus strand (G>A on the coding strand, the complement: SLC26A1 is on the minus strand). VCF-style: chr4-991531-C-T. GRCh37 (hg19) VCF-style: chr4-985319-C-T.
Other names: c.173G>A (NM_213613.2); c.173G>A, p.Arg58His (NM_134425.4, NM_213613.4); c.299+3582C>T (NM_000203.5); short protein forms R58H.
Identifiers: ClinVar variation 3019106 (VCV003019106.5), dbSNP rs866039640, ClinGen allele CA91151414.
Genomic context (GRCh38, chr4:991,531, plus strand): 5'-ACCAGCCCAGACATGACGTCGCCTGCCAGGTACTCCCGCGGGCGGTACTGACGCAGCCAG[C>T]GCGTGGCGGGGAGCAGGTCCTGCACCAGCGCCCGGACGCACAGCACACTGCACGAGCAGC-3'
Protein context (NP_071325.2, residues 48-68): ALVQDLLPAT[Arg58His]WLRQYRPREY

ClinVar aggregate classification (germline): Uncertain significance. Review status: criteria provided, multiple submitters, no conflicts (2 of 4 stars). 3 submissions from 3 submitters: Uncertain significance (3). Last evaluated 2025-11-25.

Conditions:
Hypersulfaturia (HYSULF). Identifiers: MedGen C5830511, MONDO:0957268, OMIM 620372.
Nephrolithiasis susceptibility caused by SLC26A1 (CAON1). Also called: NEPHROLITHIASIS, CALCIUM OXALATE, 1. Identifiers: MedGen C5779632, MONDO:0020722, OMIM 167030.
Inborn genetic diseases. Identifiers: MedGen C0950123, MeSH D030342.

Allele frequency attached by ClinVar (database versions not stated): gnomAD exomes 0.00003; TOPMed 0.00003; gnomAD 0.00007.
gnomAD v4.1: 59 of 1,605,816 alleles (0.0037%); highest among the groups gnomAD compares: African/African-American, 0.0094%; 1 homozygote.

Submissions (3):

Labcorp Genetics (formerly Invitae), Labcorp
Classification: Uncertain significance. Last evaluated: 2025-11-25. Review status: criteria provided, single submitter. Criteria: Invitae Variant Classification Sherloc (09022015). Collection method: clinical testing. Allele origin: germline.
Comment: This sequence change replaces arginine, which is basic and polar, with histidine, which is basic and polar, at codon 58 of the SLC26A1 protein (p.Arg58His). This variant is present in population databases (no rsID available, gnomAD 0.01%). This variant has not been reported in the literature in individuals affected with SLC26A1-related conditions. ClinVar contains an entry for this variant (Variation ID: 3019106). Invitae Evidence Modeling of protein sequence and biophysical properties (such as structural, functional, and spatial information, amino acid conservation, physicochemical variation, residue mobility, and thermodynamic stability) indicates that this missense variant is not expected to disrupt SLC26A1 protein function with a negative predictive value of 80%. In summary, the available evidence is currently insufficient to determine the role of this variant in disease. Therefore, it has been classified as a Variant of Uncertain Significance.

Ambry Genetics
Classification: Uncertain significance for Inborn genetic diseases. Last evaluated: 2025-06-19. Review status: criteria provided, single submitter. Criteria: Ambry Variant Classification Scheme 2023. Collection method: clinical testing. Allele origin: germline.

Fulgent Genetics
Classification: Uncertain significance for Nephrolithiasis susceptibility caused by SLC26A1; Hypersulfaturia. Last evaluated: 2024-05-15. Review status: criteria provided, single submitter. Criteria: ACMG Guidelines, 2015. Collection method: clinical testing. Allele origin: germline.